The following is an entry in ClinVar:

NM_199420.4(POLQ):c.2669A>T (p.Asp890Val)

Gene: POLQ (DNA polymerase theta; minus strand). Cytogenetic location: 3q13.33.
Variant type: single nucleotide variant.
Coding change: c.2669A>T on transcript NM_199420.4 (MANE Select); coding-DNA position 2669, A replaced by T.
Protein change: p.Asp890Val; replaces aspartic acid 890 with valine.
Molecular consequence: missense variant.
Genome position (GRCh38, 1-based): chr3:121,490,262, T>A on the plus strand (A>T on the coding strand, the complement: POLQ is on the minus strand). VCF-style: chr3-121490262-T-A. GRCh37 (hg19) VCF-style: chr3-121209109-T-A.
Other names: short protein forms D890V.
Identifiers: ClinVar variation 1794520 (VCV001794520.3), dbSNP rs894672478, ClinGen allele CA354105300.

ClinVar aggregate classification (germline): Uncertain significance (1 of 4 stars; one submission).

Allele frequency attached by ClinVar (database versions not stated): TOPMed 0.00001.

Submission:

Ambry Genetics
Classification: Uncertain significance. Last evaluated: 2024-11-12. Review status: criteria provided, single submitter. Criteria: Ambry Variant Classification Scheme 2023. Collection method: clinical testing. Allele origin: germline.
Comment: The p.D890V variant (also known as c.2669A>T), located in coding exon 16 of the POLQ gene, results from an A to T substitution at nucleotide position 2669. The aspartic acid at codon 890 is replaced by valine, an amino acid with highly dissimilar properties. This amino acid position is conserved. In addition, the in silico prediction for this alteration is inconclusive. Since supporting evidence is limited at this time, the clinical significance of this alteration remains unclear.